The following is an entry in ClinVar:

NM_002874.5(RAD23B):c.936A>G (p.Gln312=)

Gene: RAD23B (RAD23 nucleotide excision repair protein B; plus strand). Cytogenetic location: 9q31.2.
Variant type: single nucleotide variant.
Coding change: c.936A>G on transcript NM_002874.5 (MANE Select); coding-DNA position 936, A replaced by G.
Protein change: p.Gln312=; no amino-acid change (glutamine 312 retained).
Molecular consequence: synonymous variant.
Genome position (GRCh38, 1-based): chr9:107,324,008, A>G. VCF-style: chr9-107324008-A-G. GRCh37 (hg19) VCF-style: chr9-110086289-A-G.
Other names: c.873A>G, p.Gln291= (NM_001244713.1); c.720A>G, p.Gln240= (NM_001244724.2).
Identifiers: ClinVar variation 4984007 (VCV004984007.1).

ClinVar aggregate classification (germline): Likely benign (1 of 4 stars; one submission).

Conditions:
RAD23B-related disorder. Also called: RAD23B-related condition.

gnomAD v4.1: 765 of 1,613,470 alleles (0.047%); highest among the groups gnomAD compares: Admixed American, 0.088%; no homozygotes.

Submission:

PreventionGenetics, part of Exact Sciences
Classification: Likely benign for RAD23B-related condition. Last evaluated: 2025-12-08. Review status: criteria provided, single submitter. Criteria: ACMG Guidelines, 2015. Collection method: clinical testing. Allele origin: germline.
Comment: This variant is classified as likely benign based on ACMG/AMP sequence variant interpretation guidelines (Richards et al. 2015 PMID: 25741868, with internal and published modifications).